The following is an entry in ClinVar:

ClinVar aggregate classification (germline): Uncertain significance. Review status: criteria provided, multiple submitters, no conflicts (2 of 4 stars). 2 submissions from 2 submitters: Uncertain significance (2). Last evaluated 2025-12-28.

Conditions:
Pyogenic arthritis-pyoderma gangrenosum-acne syndrome (PAPA). Also called: FAMILIAL RECURRENT ARTHRITIS; PAPA SYNDROME. Identifiers: Orphanet 69126, MedGen C1858361, MONDO:0011462, OMIM 604416.

Allele frequency attached by ClinVar (database versions not stated): ExAC 0.00003; gnomAD exomes 0.00003; TOPMed 0.00003; ESP Exome Variant Server 0.00008.
gnomAD v4.1: 138 of 1,612,268 alleles (0.0086%); highest among the groups gnomAD compares: Non-Finnish European, 0.011%; no homozygotes.

Submissions (2):

Labcorp Genetics (formerly Invitae), Labcorp
Classification: Uncertain significance for Pyogenic arthritis-pyoderma gangrenosum-acne syndrome. Last evaluated: 2025-12-28. Review status: criteria provided, single submitter. Criteria: Invitae Variant Classification Sherloc (09022015). Collection method: clinical testing. Allele origin: germline.
Comment: This sequence change replaces arginine, which is basic and polar, with glutamine, which is neutral and polar, at codon 189 of the PSTPIP1 protein (p.Arg189Gln). This variant is present in population databases (rs375294517, gnomAD 0.005%). This variant has not been reported in the literature in individuals affected with PSTPIP1-related conditions. ClinVar contains an entry for this variant (Variation ID: 1061626). Invitae Evidence Modeling of protein sequence and biophysical properties (such as structural, functional, and spatial information, amino acid conservation, physicochemical variation, residue mobility, and thermodynamic stability) indicates that this missense variant is not expected to disrupt PSTPIP1 protein function with a negative predictive value of 80%. Algorithms developed to predict the effect of sequence changes on RNA splicing suggest that this variant may create or strengthen a splice site. In summary, the available evidence is currently insufficient to determine the role of this variant in disease. Therefore, it has been classified as a Variant of Uncertain Significance.

CeGaT Center for Human Genetics Tuebingen
Classification: Uncertain significance. Last evaluated: 2023-07-01. Review status: criteria provided, single submitter. Criteria: CeGaT Center For Human Genetics Tuebingen Variant Classification Criteria Version 2. Collection method: clinical testing. Allele origin: germline. Affected: yes. Observed: 1 variant allele.
Comment: PSTPIP1: PP3

NM_003978.5(PSTPIP1):c.566G>A (p.Arg189Gln)

Gene: PSTPIP1 (proline-serine-threonine phosphatase interacting protein 1; plus strand). Cytogenetic location: 15q24.3.
Variant type: single nucleotide variant.
Coding change: c.566G>A on transcript NM_003978.5 (MANE Select); coding-DNA position 566, G replaced by A.
Protein change: p.Arg189Gln; replaces arginine 189 with glutamine.
Molecular consequence: missense variant.
Genome position (GRCh38, 1-based): chr15:77,030,505, G>A. VCF-style: chr15-77030505-G-A. GRCh37 (hg19) VCF-style: chr15-77322846-G-A.
Other names: c.566G>A, p.Arg189Gln (NM_001321135.2); c.539G>A, p.Arg180Gln (NM_001321136.2); c.761G>A, p.Arg254Gln (NM_001321137.1); short protein forms R180Q, R189Q, R254Q.
Identifiers: ClinVar variation 1061626 (VCV001061626.33), dbSNP rs375294517, ClinGen allele CA7675887.